The following is an entry in ClinVar:

NM_002772.3(TMPRSS15):c.2166-2A>G

Gene: TMPRSS15 (transmembrane serine protease 15; minus strand). Cytogenetic location: 21q21.1.
Variant type: single nucleotide variant.
Coding change: c.2166-2A>G on transcript NM_002772.3 (MANE Select); the canonical splice acceptor site of the intron before coding-DNA position 2166, A replaced by G.
Molecular consequence: splice acceptor variant.
Genome position (GRCh38, 1-based): chr21:18,297,831, T>C on the plus strand (A>G on the coding strand, the complement: TMPRSS15 is on the minus strand). VCF-style: chr21-18297831-T-C. GRCh37 (hg19) VCF-style: chr21-19670148-T-C.
Other names: c.2166-2A>G (NM_001428057.1); c.2301-2A>G (NM_001428056.1).
Identifiers: ClinVar variation 3719588 (VCV003719588.4).

ClinVar aggregate classification (germline): Conflicting classifications of pathogenicity. Review status: criteria provided, conflicting classifications (1 of 4 stars). 3 submissions from 3 submitters: Likely pathogenic (2); Uncertain significance (1). Last evaluated 2025-02-21.

Conditions:
TMPRSS15-related disorder. Also called: TMPRSS15-related condition.

gnomAD v4.1: 52 of 1,605,786 alleles (0.0032%); highest among the groups gnomAD compares: Non-Finnish European, 0.0043%; no homozygotes.

Submissions (3):

GeneDx
Classification: Uncertain significance. Last evaluated: 2025-02-21. Review status: criteria provided, single submitter. Criteria: GeneDx Variant Classification Process June 2021. Collection method: clinical testing. Allele origin: germline. Affected: yes.
Comment: Canonical splice site variant predicted to result in an in-frame loss of the adjacent exon in a gene for which loss of function is a known mechanism of disease; Has not been previously published as pathogenic or benign to our knowledge

Labcorp Genetics (formerly Invitae), Labcorp
Classification: Likely pathogenic. Last evaluated: 2025-02-13. Review status: criteria provided, single submitter. Criteria: Invitae Variant Classification Sherloc (09022015). Collection method: clinical testing. Allele origin: germline.
Comment: This sequence change affects an acceptor splice site in intron 18 of the TMPRSS15 gene. It is expected to disrupt RNA splicing. Variants that disrupt the donor or acceptor splice site typically lead to a loss of protein function (PMID: 16199547), and loss-of-function variants in TMPRSS15 are known to be pathogenic (PMID: 11719902). This variant is present in population databases (no rsID available, gnomAD 0.003%). This variant has not been reported in the literature in individuals affected with TMPRSS15-related conditions. Algorithms developed to predict the effect of sequence changes on RNA splicing suggest that this variant may disrupt the consensus splice site. In summary, the currently available evidence indicates that the variant is pathogenic, but additional data are needed to prove that conclusively. Therefore, this variant has been classified as Likely Pathogenic.

Blueprint Genetics
Classification: Likely pathogenic for TMPRSS15-related disorders. Last evaluated: 2022-01-26. Review status: criteria provided, single submitter. Criteria: ACMG Guidelines, 2015. Collection method: clinical testing. Allele origin: germline. Affected: yes. Observed: 5 variant alleles.

Literature cited by the submitters: PubMed 16199547 (cited by Labcorp Genetics (formerly Invitae), Labcorp); PubMed 11719902 (cited by Labcorp Genetics (formerly Invitae), Labcorp).